The following is an entry in ClinVar:

NM_003403.5(YY1):c.170G>A (p.Gly57Asp)

Gene: YY1 (YY1 transcription factor; plus strand). Cytogenetic location: 14q32.2.
Variant type: single nucleotide variant.
Coding change: c.170G>A on transcript NM_003403.5 (MANE Select); coding-DNA position 170, G replaced by A.
Protein change: p.Gly57Asp; replaces glycine 57 with aspartic acid.
Molecular consequence: missense variant.
Genome position (GRCh38, 1-based): chr14:100,239,414, G>A. VCF-style: chr14-100239414-G-A. GRCh37 (hg19) VCF-style: chr14-100705751-G-A.
Other names: short protein forms G57D.
Identifiers: ClinVar variation 4822240 (VCV004822240.4).

ClinVar aggregate classification (germline): Uncertain significance (1 of 4 stars; one submission).

Submission:

CeGaT Center for Human Genetics Tuebingen
Classification: Uncertain significance. Last evaluated: 2026-01-01. Review status: criteria provided, single submitter. Criteria: CeGaT Center For Human Genetics Tuebingen Variant Classification Criteria Version 2. Collection method: clinical testing. Allele origin: germline. Affected: yes. Observed: 1 variant allele.
Comment: YY1: PM2:Supporting